The following is an entry in ClinVar:

ClinVar aggregate classification (germline): Uncertain significance (1 of 4 stars; one submission).

Submission:

GeneDx
Classification: Uncertain significance. Last evaluated: 2025-08-05. Review status: criteria provided, single submitter. Criteria: GeneDx Variant Classification Process June 2021. Collection method: clinical testing. Allele origin: germline. Affected: yes.
Comment: Not observed at significant frequency in large population cohorts (gnomAD); In silico analysis supports that this missense variant has a deleterious effect on protein structure/function; Has not been previously published as pathogenic or benign to our knowledge

NM_000334.4(SCN4A):c.3389C>A (p.Thr1130Lys)

Genes: GH-LCR (growth hormone locus control region; plus strand), SCN4A (sodium voltage-gated channel alpha subunit 4; minus strand). Cytogenetic location: 17q23.3.
Variant type: single nucleotide variant.
Coding change: c.3389C>A on transcript NM_000334.4 (MANE Select); coding-DNA position 3389, C replaced by A.
Protein change: p.Thr1130Lys; replaces threonine 1130 with lysine.
Molecular consequence: missense variant.
Genome position (GRCh38, 1-based): chr17:63,947,097, G>T on the plus strand (C>A on the coding strand, the complement: SCN4A is on the minus strand). VCF-style: chr17-63947097-G-T. GRCh37 (hg19) VCF-style: chr17-62024457-G-T.
Other names: short protein forms T1130K.
Identifiers: ClinVar variation 4755842 (VCV004755842.1).